The following is an entry in ClinVar:

ClinVar aggregate classification (germline): Pathogenic. Review status: criteria provided, multiple submitters, no conflicts (2 of 4 stars). 2 submissions from 2 submitters: Pathogenic (2). Last evaluated 2023-07-15.

Conditions:
Autosomal recessive nonsyndromic hearing loss 1A (DFNB1A). Also called: GJB6-Related DFNB 1 Nonsyndromic Hearing Loss and Deafness; Deafness, autosomal recessive 1A; Nonsyndromic Hearing Loss and Deafness, DFNB1; GJB2-Related Autosomal Recessive Nonsyndromic Hearing Loss; Connexin 26 deafness; Deafness nonsyndromic, Connexin 26 linked. Identifiers: Orphanet 90636, MedGen C2673759, MONDO:0009076, OMIM 220290.

Allele frequency attached by ClinVar (database versions not stated): gnomAD exomes below 0.00001.
gnomAD v4.1: 4 of 1,613,902 alleles (0.00025%); highest among the groups gnomAD compares: Non-Finnish European, 0.00034%; no homozygotes.

Submissions (2):

Labcorp Genetics (formerly Invitae), Labcorp
Classification: Pathogenic. Last evaluated: 2023-07-15. Review status: criteria provided, single submitter. Criteria: Invitae Variant Classification Sherloc (09022015). Collection method: clinical testing. Allele origin: germline.
Comment: For these reasons, this variant has been classified as Pathogenic. This variant disrupts a region of the GJB2 protein in which other variant(s) (p.Leu213*) have been determined to be pathogenic (PMID: 23141775). This suggests that this is a clinically significant region of the protein, and that variants that disrupt it are likely to be disease-causing. ClinVar contains an entry for this variant (Variation ID: 1709382). This premature translational stop signal has been observed in individual(s) with autosomal recessive non-syndromic sensoneural hearing loss (PMID: 28405014). This variant is not present in population databases (gnomAD no frequency). This sequence change creates a premature translational stop signal (p.Trp133*) in the GJB2 gene. While this is not anticipated to result in nonsense mediated decay, it is expected to disrupt the last 94 amino acid(s) of the GJB2 protein.

MGZ Medical Genetics Center
Classification: Pathogenic for Autosomal recessive nonsyndromic hearing loss 1A. Last evaluated: 2022-05-03. Review status: criteria provided, single submitter. Criteria: ACMG Guidelines, 2015. Collection method: clinical testing. Allele origin: germline. Affected: yes. Observed: 2 variant alleles.
Comment: ACMG criteria applied: PVS1, PM3, PM2_SUP

Literature cited by the submitters: PubMed 23141775 (cited by Labcorp Genetics (formerly Invitae), Labcorp); PubMed 28405014 (cited by Labcorp Genetics (formerly Invitae), Labcorp).

NM_004004.6(GJB2):c.399G>A (p.Trp133Ter)

Gene: GJB2 (gap junction protein beta 2; minus strand). Cytogenetic location: 13q12.11.
Variant type: single nucleotide variant.
Coding change: c.399G>A on transcript NM_004004.6 (MANE Select); coding-DNA position 399, G replaced by A.
Protein change: p.Trp133Ter; replaces tryptophan 133 with a stop codon.
Molecular consequence: nonsense.
Genome position (GRCh38, 1-based): chr13:20,189,183, C>T on the plus strand (G>A on the coding strand, the complement: GJB2 is on the minus strand). VCF-style: chr13-20189183-C-T. GRCh37 (hg19) VCF-style: chr13-20763322-C-T.
Other names: short protein forms W133*.
Identifiers: ClinVar variation 1709382 (VCV001709382.5), dbSNP rs777225786, ClinGen allele CA246460171.